The following is an entry in ClinVar:

ClinVar aggregate classification (germline): Pathogenic (1 of 4 stars; one submission).

Conditions:
Familial thoracic aortic aneurysm and aortic dissection (TAAD). Also called: Thoracic aortic aneurysms and dissections. Identifiers: Orphanet 91387, MedGen C4707243, MONDO:0019625.

Submission:

Ambry Genetics
Classification: Pathogenic for Familial thoracic aortic aneurysm and aortic dissection. Last evaluated: 2024-08-27. Review status: criteria provided, single submitter. Criteria: Ambry Variant Classification Scheme 2023. Collection method: clinical testing. Allele origin: germline.
Comment: The c.5789-2A>G intronic pathogenic mutation results from an A to G substitution two nucleotides upstream from coding exon 47 in the FBN1 gene. Alterations that disrupt the canonical splice site are expected to result in aberrant splicing. In silico splice site analysis predicts that this alteration will weaken the native splice acceptor site. The resulting transcript is predicted to be in-frame and is not expected to trigger nonsense-mediated mRNAdecay; however, direct evidence is unavailable. The exact functional effect of the missing amino acids is unknown; however, the impacted region is critical for protein function (Ambry internal data). This variant is considered to be rare based on population cohorts in the Genome Aggregation Database (gnomAD). This nucleotide position is highly conserved in available vertebrate species. Based on the supporting evidence, this alteration is interpreted as a disease-causing mutation.

Literature cited by the submitters: PubMed 28152038.

NM_000138.5(FBN1):c.5789-2A>G

Gene: FBN1 (fibrillin 1; minus strand). Cytogenetic location: 15q21.1.
Variant type: single nucleotide variant.
Coding change: c.5789-2A>G on transcript NM_000138.5 (MANE Select); the canonical splice acceptor site of the intron before coding-DNA position 5789, A replaced by G.
Molecular consequence: splice acceptor variant.
Genome position (GRCh38, 1-based): chr15:48,445,506, T>C on the plus strand (A>G on the coding strand, the complement: FBN1 is on the minus strand). VCF-style: chr15-48445506-T-C. GRCh37 (hg19) VCF-style: chr15-48737703-T-C.
Other names: c.5789-2A>G (NM_001406716.1).
Identifiers: ClinVar variation 263403 (VCV000263403.6), dbSNP rs886038790, ClinGen allele CA10587813.